The following is an entry in ClinVar:

ClinVar aggregate classification (germline): Conflicting classifications of pathogenicity. Review status: criteria provided, conflicting classifications (1 of 4 stars). 5 submissions from 4 submitters: Uncertain significance (2); Benign (2); Likely benign (1). Last evaluated 2023-02-01.

Conditions:
LEOPARD syndrome 2 (LPRD2). Also called: RAF1-Related LEOPARD Syndrome. Identifiers: Orphanet 500, MedGen C1969056, MONDO:0012691, OMIM 611554.
Noonan syndrome 5 (NS5). Also called: RAF1-Related Noonan Syndrome. Identifiers: Orphanet 648, MedGen C1969057, MONDO:0012690, OMIM 611553. Disease mechanism: gain of function.

Allele frequency attached by ClinVar (database versions not stated): TOPMed 0.00074; gnomAD exomes 0.00098; gnomAD 0.00073.
gnomAD v4.1: 355 of 398,426 alleles (0.089%); highest among the groups gnomAD compares: Non-Finnish European, 0.14%; no homozygotes.

Submissions (5):

CeGaT Center for Human Genetics Tuebingen
Classification: Likely benign. Last evaluated: 2023-02-01. Review status: criteria provided, single submitter. Criteria: CeGaT Center For Human Genetics Tuebingen Variant Classification Criteria Version 2. Collection method: clinical testing. Allele origin: germline. Affected: yes. Observed: 1 variant allele.
Comment: RAF1: BS1

Illumina Laboratory Services, Illumina
Classification: Uncertain significance for Noonan syndrome 5. Last evaluated: 2017-04-27. Review status: criteria provided, single submitter. Criteria: ICSL Variant Classification Criteria 13 December 2019. Collection method: clinical testing. Allele origin: germline.

Illumina Laboratory Services, Illumina
Classification: Uncertain significance for LEOPARD syndrome 2. Last evaluated: 2017-04-27. Review status: criteria provided, single submitter. Criteria: ICSL Variant Classification Criteria 13 December 2019. Collection method: clinical testing. Allele origin: germline.

GeneDx
Classification: Benign. Last evaluated: 2015-03-03. Review status: criteria provided, single submitter. Criteria: GeneDx Variant Classification Process June 2021. Collection method: clinical testing. Allele origin: germline. Affected: yes.

Laboratory for Molecular Medicine, Mass General Brigham Personalized Medicine
Classification: Benign. Last evaluated: 2012-03-16. Review status: criteria provided, single submitter. Criteria: LMM Criteria. Collection method: clinical testing. Allele origin: germline. Observed: 1 variant allele.

NM_002880.4(RAF1):c.-201C>A

Gene: RAF1 (Raf-1 proto-oncogene, serine/threonine kinase; minus strand). Cytogenetic location: 3p25.2.
Variant type: single nucleotide variant.
Coding change: c.-201C>A on transcript NM_002880.4 (MANE Select); 201 bases upstream of the start codon, C replaced by A.
Molecular consequence: 5 prime UTR variant. On other transcripts: non-coding transcript variant (3).
Genome position (GRCh38, 1-based): chr3:12,663,987, G>T on the plus strand (C>A on the coding strand, the complement: RAF1 is on the minus strand). VCF-style: chr3-12663987-G-T. GRCh37 (hg19) VCF-style: chr3-12705486-G-T.
Other names: c.-201C>A (NM_001354689.3, NM_001354693.3); c.-424C>A (NM_001354691.3); c.-331C>A (NM_001354692.3, NM_001354694.3, NM_001354695.3).
Identifiers: ClinVar variation 40577 (VCV000040577.36), dbSNP rs532668125, ClinGen allele CA177687.